The following is an entry in ClinVar:

ClinVar aggregate classification (germline): Pathogenic (0 of 4 stars; one submission).

Conditions:
Autosomal recessive nonsyndromic hearing loss 7. Also called: DEAFNESS, AUTOSOMAL RECESSIVE 11. Identifiers: Orphanet 90636, MedGen C1832978, MONDO:0010967, OMIM 600974.

Submission:

Laboratory of Prof. Karen Avraham, Tel Aviv University
Classification: Pathogenic for Autosomal recessive nonsyndromic hearing loss 7. Last evaluated: 2016-02-19. Review status: no assertion criteria provided. Collection method: research. Allele origin: germline. Affected: yes.
Comment: Congenital, profound HL

NSHL; recessive, DFNB7

NM_138691.2(TMC1):c.[1165C>T];[1939T>C]

Variant type: CompoundHeterozygote.
Identifiers: ClinVar variation 424813 (VCV000424813.2).